The following is an entry in ClinVar:

ClinVar aggregate classification (germline): Uncertain significance (1 of 4 stars; one submission).

Conditions:
Wilson disease (WND). Also called: Wilson's disease. Identifiers: Orphanet 905, MedGen C0019202, MONDO:0010200, OMIM 277900. Disease mechanism: loss of function.

Submission:

ARUP Laboratories, Molecular Genetics and Genomics, ARUP Laboratories
Classification: Uncertain significance for Wilson disease. Last evaluated: 2022-12-22. Review status: criteria provided, single submitter. Criteria: ARUP Molecular Germline Variant Investigation Process 2024. Collection method: clinical testing. Allele origin: germline.
Comment: The ATP7B c.4084T>A; p.Ser1362Thr variant, to our knowledge, is not reported in the medical literature or gene specific databases. This variant is also absent from the Genome Aggregation Database, indicating it is not a common polymorphism. The serine at codon 1362 is highly conserved, and computational analyses predict that this variant is deleterious (REVEL: 0.878). Additionally, another variant at this codon (c.4084T>G; p.Ser1362Ala) has been reported in an individual with Wilson disease (Mukherjee 2014), and functional analyses of the p.Ser1362Ala protein demonstrate reduced channel activity (Roy 2020). However, given the lack of clinical and functional data, the significance of the p.Ser1362Thr variant is uncertain at this time. References: Mukherjee S et al. Genetic defects in Indian Wilson disease patients and genotype-phenotype correlation. Parkinsonism Relat Disord. 2014 Jan;20(1):75-81. PMID: 24094725. Roy S et al. Analysis of Wilson disease mutations revealed that interactions between different ATP7B mutants modify their properties. Sci Rep. 2020 Aug 10;10(1):13487. PMID: 32778786.

NM_000053.4(ATP7B):c.4084T>A (p.Ser1362Thr)

Gene: ATP7B (ATPase copper transporting beta; minus strand). Cytogenetic location: 13q14.3.
Variant type: single nucleotide variant.
Coding change: c.4084T>A on transcript NM_000053.4 (MANE Select); coding-DNA position 4084, T replaced by A.
Protein change: p.Ser1362Thr; replaces serine 1362 with threonine.
Molecular consequence: missense variant.
Genome position (GRCh38, 1-based): chr13:51,935,633, A>T on the plus strand (T>A on the coding strand, the complement: ATP7B is on the minus strand). VCF-style: chr13-51935633-A-T. GRCh37 (hg19) VCF-style: chr13-52509769-A-T.
Other names: c.3463T>A, p.Ser1155Thr (NM_001005918.3); c.3751T>A, p.Ser1251Thr (NM_001243182.2); c.3850T>A, p.Ser1284Thr (NM_001330578.2, NM_001406527.1, NM_001406528.1); c.3832T>A, p.Ser1278Thr (NM_001330579.2, NM_001406531.1, NM_001406532.1); c.4084T>A, p.Ser1362Thr (NM_001406511.1, NM_001406512.1); c.4078T>A, p.Ser1360Thr (NM_001406513.1); c.4051T>A, p.Ser1351Thr (NM_001406514.1); c.4030T>A, p.Ser1344Thr (NM_001406515.1, NM_001406516.1); and 21 more; short protein forms S1081T, S1200T, S1236T, S1249T, S1251T, S1278T, S1294T, S1301T.
Identifiers: ClinVar variation 2920857 (VCV002920857.1), dbSNP rs2547551142, ClinGen allele CA388020095.